The following is an entry in ClinVar:

NM_000329.3(RPE65):c.1200_1201insGTCTCTTATACAC (p.Ile401fs)

Gene: RPE65 (retinoid isomerohydrolase RPE65; minus strand). Cytogenetic location: 1p31.3.
Variant type: Insertion.
Coding change: c.1200_1201insGTCTCTTATACAC on transcript NM_000329.3 (MANE Select); coding-DNA positions 1200 to 1201, GTCTCTTATACAC inserted.
Protein change: p.Ile401fs; shifts the reading frame from isoleucine 401.
Molecular consequence: frameshift variant.
Genome position: GRCh38 VCF-style: chr1-68431513-T-TGTGTATAAGAGAC. GRCh37 (hg19) VCF-style: chr1-68897196-T-TGTGTATAAGAGAC.
Other names: c.1092_1093insGTCTCTTATACAC, p.Ile365fs (NM_001406853.1); c.924_925insGTCTCTTATACAC, p.Ile309fs (NM_001406856.1, NM_001406857.1); short protein forms I309fs, I365fs, I401fs.
Identifiers: ClinVar variation 5016440 (VCV005016440.1).

ClinVar aggregate classification (germline): Pathogenic (1 of 4 stars; one submission).

Conditions:
RPE65-related recessive retinopathy. Also called: Recessive RPE65 retinopathy. Identifiers: MedGen CN305526, MONDO:0100368.

Submission:

Myriad Genetics, Inc.
Classification: Pathogenic for RPE65-related recessive retinopathy. Last evaluated: 2024-05-14. Review status: criteria provided, single submitter. Criteria: Myriad Autosomal Dominant, Autosomal Recessive and X-Linked Classification Criteria (2023). Collection method: clinical testing. Allele origin: unknown.
Comment: NM_000329.2(RPE65):c.1200_1201ins13(I401Vfs*10) is expected to be pathogenic in the context of inherited retinal dystrophy, RPE65-related. This variant is predicted to lead to an abnormal or absent protein product due to the creation of a premature termination codon in RPE65, a gene where loss-of-function variants are known to be pathogenic. Please note: this variant was assessed in the context of healthy population screening.